The following is an entry in ClinVar:

ClinVar aggregate classification (germline): Uncertain significance (1 of 4 stars; one submission).

Submission:

Ambry Genetics
Classification: Uncertain significance. Last evaluated: 2025-06-21. Review status: criteria provided, single submitter. Criteria: Ambry Variant Classification Scheme 2023. Collection method: clinical testing. Allele origin: germline.
Comment: The p.N130S variant (also known as c.389A>G), located in coding exon 4 of the RAD51B gene, results from an A to G substitution at nucleotide position 389. The asparagine at codon 130 is replaced by serine, an amino acid with highly similar properties. This amino acid position is conserved. In addition, this alteration is predicted to be tolerated by in silico analysis. Based on the available evidence, the clinical significance of this variant remains unclear.

NM_133510.4(RAD51B):c.389A>G (p.Asn130Ser)

Gene: RAD51B (RAD51 paralog B; plus strand). Cytogenetic location: 14q24.1.
Variant type: single nucleotide variant.
Coding change: c.389A>G on transcript NM_133510.4 (MANE Select); coding-DNA position 389, A replaced by G.
Protein change: p.Asn130Ser; replaces asparagine 130 with serine.
Molecular consequence: missense variant.
Genome position (GRCh38, 1-based): chr14:67,865,076, A>G. VCF-style: chr14-67865076-A-G. GRCh37 (hg19) VCF-style: chr14-68331793-A-G.
Other names: c.389A>G, p.Asn130Ser (NM_001321809.2, NM_001321810.2, NM_001321812.1 and 6 more transcripts); c.275A>G, p.Asn92Ser (NM_001321815.1); c.32A>G, p.Asn11Ser (NM_001321817.2); short protein forms N130S, N11S, N92S.
Identifiers: ClinVar variation 4149807 (VCV004149807.1).